The following is an entry in ClinVar:

ClinVar aggregate classification (germline): Uncertain significance (1 of 4 stars; one submission).

Conditions:
Fanconi anemia (FA). Also called: Fanconi's anemia. Identifiers: Orphanet 84, MedGen C0015625, MeSH D005199, MONDO:0019391.

gnomAD v4.1: 1 of 1,188,337 alleles (0.000084%); highest among the groups gnomAD compares: Non-Finnish European, 0.00011%; no homozygotes.

Submission:

Labcorp Genetics (formerly Invitae), Labcorp
Classification: Uncertain significance for Fanconi anemia. Last evaluated: 2021-08-31. Review status: criteria provided, single submitter. Criteria: Invitae Variant Classification Sherloc (09022015). Collection method: clinical testing. Allele origin: germline.
Comment: This sequence change replaces isoleucine with methionine at codon 718 of the FANCB protein (p.Ile718Met). The isoleucine residue is weakly conserved and there is a small physicochemical difference between isoleucine and methionine. This variant is not present in population databases (ExAC no frequency). This variant has not been reported in the literature in individuals affected with FANCB-related conditions. Algorithms developed to predict the effect of missense changes on protein structure and function are either unavailable or do not agree on the potential impact of this missense change (SIFT: "Deleterious"; PolyPhen-2: "Possibly Damaging"; Align-GVGD: "Class C0"). In summary, the available evidence is currently insufficient to determine the role of this variant in disease. Therefore, it has been classified as a Variant of Uncertain Significance.

NM_001018113.3(FANCB):c.2154A>G (p.Ile718Met)

Gene: FANCB (FA complementation group B; minus strand). Cytogenetic location: Xp22.2.
Variant type: single nucleotide variant.
Coding change: c.2154A>G on transcript NM_001018113.3 (MANE Select); coding-DNA position 2154, A replaced by G.
Protein change: p.Ile718Met; replaces isoleucine 718 with methionine.
Molecular consequence: missense variant.
Genome position (GRCh38, 1-based): chrX:14,844,514, T>C on the plus strand (A>G on the coding strand, the complement: FANCB is on the minus strand). VCF-style: chrX-14844514-T-C. GRCh37 (hg19) VCF-style: chrX-14862636-T-C.
Other names: c.2154A>G, p.Ile718Met (NM_001324162.2, NM_152633.4); short protein forms I718M.
Identifiers: ClinVar variation 948641 (VCV000948641.7), dbSNP rs2092367373, ClinGen allele CA412438073.